The following is an entry in ClinVar:

ClinVar aggregate classification (germline): Benign/Likely benign. Review status: criteria provided, multiple submitters, no conflicts (2 of 4 stars). 7 submissions from 7 submitters: Benign (1); Likely benign (5). 1 of the submissions does not count toward it. Last evaluated 2026-02-01.

Conditions:
GMPPA-related disorder. Also called: GMPPA-related condition.
Alacrima, achalasia, and impaired intellectual development syndrome. Also called: Alacrima, achalasia, and intellectual disability syndrome; Alacrima, achalasia, and mental retardation syndrome. Identifiers: Orphanet 869, MedGen C4706563, MONDO:0014219, OMIM 615510.

Allele frequency attached by ClinVar (database versions not stated): ExAC 0.00238; gnomAD exomes 0.00229 and 0.00297; 1000 Genomes Project 30x 0.00078; ESP Exome Variant Server 0.00223; gnomAD 0.00230 and 0.00222; 1000 Genomes Project 0.00100; TOPMed 0.00147.

Submissions (7):

CeGaT Center for Human Genetics Tuebingen
Classification: Likely benign. Last evaluated: 2026-02-01. Review status: criteria provided, single submitter. Criteria: CeGaT Center For Human Genetics Tuebingen Variant Classification Criteria Version 2. Collection method: clinical testing. Allele origin: germline. Affected: yes. Observed: 2 variant alleles.
Comment: GMPPA: BP4, BS2

Labcorp Genetics (formerly Invitae), Labcorp
Classification: Benign for Alacrima, achalasia, and impaired intellectual development syndrome. Last evaluated: 2026-01-27. Review status: criteria provided, single submitter. Criteria: Invitae Variant Classification Sherloc (09022015). Collection method: clinical testing. Allele origin: germline.

Blueprint Genetics
Classification: Likely benign. Last evaluated: 2024-11-25. Review status: criteria provided, single submitter. Criteria: ACMG Guidelines, 2015. Collection method: clinical testing. Allele origin: germline.

Fulgent Genetics
Classification: Likely benign for Alacrima, achalasia, and impaired intellectual development syndrome. Last evaluated: 2022-03-16. Review status: criteria provided, single submitter. Criteria: ACMG Guidelines, 2015. Collection method: clinical testing. Allele origin: unknown.

GeneDx
Classification: Likely benign. Last evaluated: 2018-05-01. Review status: criteria provided, single submitter. Criteria: GeneDx Variant Classification Process June 2021. Collection method: clinical testing. Allele origin: germline. Affected: yes.
Comment: This variant is associated with the following publications: (PMID: 28820871)

Institute for Genomic Medicine (IGM) Clinical Laboratory, Nationwide Children's Hospital
Classification: Likely benign. Last evaluated: 2017-04-19. Review status: criteria provided, single submitter. Criteria: ACMG Guidelines, 2015. Collection method: clinical testing. Allele origin: germline.
Comment: BS1,BP4; This alteration has an allele frequency that is greater than expected for the associated disease, and is predicted to be tolerated by multiple functional prediction tools.

PreventionGenetics, part of Exact Sciences
Classification: Likely benign for GMPPA-related condition. Last evaluated: 2024-03-29. Review status: no assertion criteria provided. Collection method: clinical testing. Allele origin: germline. Not counted in ClinVar's aggregate classification.
Comment: This variant is classified as likely benign based on ACMG/AMP sequence variant interpretation guidelines (Richards et al. 2015 PMID: 25741868, with internal and published modifications).

NM_013335.4(GMPPA):c.190C>T (p.Pro64Ser)

Genes: ASIC4-AS1 (ASIC4 antisense RNA 1; minus strand), GMPPA (GDP-mannose pyrophosphorylase A; plus strand). Cytogenetic location: 2q35.
Variant type: single nucleotide variant.
Coding change: c.190C>T on transcript NM_013335.4 (MANE Select); coding-DNA position 190, C replaced by T.
Protein change: p.Pro64Ser; replaces proline 64 with serine.
Molecular consequence: missense variant.
Genome position (GRCh38, 1-based): chr2:219,501,527, C>T. VCF-style: chr2-219501527-C-T. GRCh37 (hg19) VCF-style: chr2-220366249-C-T.
Other names: c.190C>T, p.Pro64Ser (NM_205847.3); short protein forms P64S.
Identifiers: ClinVar variation 388353 (VCV000388353.31), dbSNP rs34873891, ClinGen allele CA2128059.